The following is an entry in ClinVar:

NM_152393.4(KLHL40):c.1396G>A (p.Val466Ile)

Gene: KLHL40 (kelch like family member 40; plus strand). Cytogenetic location: 3p22.1.
Variant type: single nucleotide variant.
Coding change: c.1396G>A on transcript NM_152393.4 (MANE Select); coding-DNA position 1396, G replaced by A.
Protein change: p.Val466Ile; replaces valine 466 with isoleucine.
Molecular consequence: missense variant.
Genome position (GRCh38, 1-based): chr3:42,688,692, G>A. VCF-style: chr3-42688692-G-A. GRCh37 (hg19) VCF-style: chr3-42730184-G-A.
Other names: c.1396G>A (NM_152393.2); short protein forms V466I.
Identifiers: ClinVar variation 634636 (VCV000634636.10), dbSNP rs773720799, ClinGen allele CA2336944.

ClinVar aggregate classification (germline): Uncertain significance. Review status: criteria provided, multiple submitters, no conflicts (2 of 4 stars). 3 submissions from 3 submitters: Uncertain significance (3). Last evaluated 2025-10-21.

Conditions:
Inborn genetic diseases. Identifiers: MedGen C0950123, MeSH D030342.
Nemaline myopathy 8 (NEM8). Also called: Nemaline myopathy 8, autosomal recessive. Identifiers: Orphanet 171430, MedGen C3809209, MONDO:0014138, OMIM 615348.

Allele frequency attached by ClinVar (database versions not stated): gnomAD 0.00001; TOPMed 0.00001.
gnomAD v4.1: 8 of 1,613,840 alleles (0.0005%); highest among the groups gnomAD compares: South Asian, 0.0022%; no homozygotes.

Submissions (3):

Ambry Genetics
Classification: Uncertain significance for Inborn genetic diseases. Last evaluated: 2025-10-21. Review status: criteria provided, single submitter. Criteria: Ambry Variant Classification Scheme 2023. Collection method: clinical testing. Allele origin: germline.

Labcorp Genetics (formerly Invitae), Labcorp
Classification: Uncertain significance for Nemaline myopathy 8. Last evaluated: 2024-02-23. Review status: criteria provided, single submitter. Criteria: Invitae Variant Classification Sherloc (09022015). Collection method: clinical testing. Allele origin: germline.
Comment: This sequence change replaces valine, which is neutral and non-polar, with isoleucine, which is neutral and non-polar, at codon 466 of the KLHL40 protein (p.Val466Ile). This variant is present in population databases (rs773720799, gnomAD 0.003%). This variant has not been reported in the literature in individuals affected with KLHL40-related conditions. ClinVar contains an entry for this variant (Variation ID: 634636). Advanced modeling of protein sequence and biophysical properties (such as structural, functional, and spatial information, amino acid conservation, physicochemical variation, residue mobility, and thermodynamic stability) performed at Invitae indicates that this missense variant is not expected to disrupt KLHL40 protein function with a negative predictive value of 80%. In summary, the available evidence is currently insufficient to determine the role of this variant in disease. Therefore, it has been classified as a Variant of Uncertain Significance.

Genomic Research Center, Shahid Beheshti University of Medical Sciences
Classification: Uncertain significance for Nemaline myopathy 8. Last evaluated: 2019-01-01. Review status: criteria provided, single submitter. Criteria: ACMG Guidelines, 2015. Collection method: clinical testing. Allele origin: unknown. Affected: yes. Observed: 1 variant allele.